The following is an entry in ClinVar:

ClinVar aggregate classification (germline): Uncertain significance (1 of 4 stars; one submission).

Conditions:
Cardiovascular phenotype. Identifiers: MedGen CN230736.

gnomAD v4.1: 1 of 1,614,082 alleles (0.000062%); highest among the groups gnomAD compares: South Asian, 0.0011%; no homozygotes.

Submission:

Ambry Genetics
Classification: Uncertain significance for Cardiovascular phenotype. Last evaluated: 2025-11-05. Review status: criteria provided, single submitter. Criteria: Ambry Variant Classification Scheme 2023. Collection method: clinical testing. Allele origin: germline.
Comment: The p.L637F variant (also known as c.1909C>T), located in coding exon 11 of the CBL gene, results from a C to T substitution at nucleotide position 1909. The leucine at codon 637 is replaced by phenylalanine, an amino acid with highly similar properties. This amino acid position is conserved. In addition, this alteration is predicted to be tolerated by in silico analysis. Based on the available evidence, the clinical significance of this variant remains unclear.

NM_005188.4(CBL):c.1909C>T (p.Leu637Phe)

Gene: CBL (Cbl proto-oncogene; plus strand). Cytogenetic location: 11q23.3.
Variant type: single nucleotide variant.
Coding change: c.1909C>T on transcript NM_005188.4 (MANE Select); coding-DNA position 1909, C replaced by T.
Protein change: p.Leu637Phe; replaces leucine 637 with phenylalanine.
Molecular consequence: missense variant.
Genome position (GRCh38, 1-based): chr11:119,285,534, C>T. VCF-style: chr11-119285534-C-T. GRCh37 (hg19) VCF-style: chr11-119156244-C-T.
Other names: short protein forms L637F.
Identifiers: ClinVar variation 4613858 (VCV004613858.1).